The following is an entry in ClinVar:

NM_000441.2(SLC26A4):c.1003T>A (p.Phe335Ile)

Gene: SLC26A4 (solute carrier family 26 member 4; plus strand). Cytogenetic location: 7q22.3.
Variant type: single nucleotide variant.
Coding change: c.1003T>A on transcript NM_000441.2 (MANE Select); coding-DNA position 1003, T replaced by A.
Protein change: p.Phe335Ile; replaces phenylalanine 335 with isoleucine.
Molecular consequence: missense variant.
Genome position (GRCh38, 1-based): chr7:107,689,054, T>A. VCF-style: chr7-107689054-T-A. GRCh37 (hg19) VCF-style: chr7-107329499-T-A.
Other names: short protein forms F335I.
Identifiers: ClinVar variation 3339208 (VCV003339208.1).

ClinVar aggregate classification (germline): Uncertain significance (1 of 4 stars; one submission).

gnomAD v4.1: 3 of 1,613,746 alleles (0.00019%); highest among the groups gnomAD compares: Non-Finnish European, 0.00025%; no homozygotes.

Submission:

Women's Health and Genetics/Laboratory Corporation of America, LabCorp
Classification: Uncertain significance. Last evaluated: 2024-07-02. Review status: criteria provided, single submitter. Criteria: LabCorp Variant Classification Summary - May 2015. Collection method: clinical testing. Allele origin: germline.
Comment: Variant summary: SLC26A4 c.1003T>A (p.Phe335Ile) results in a non-conservative amino acid change located in the SLC26A/SulP transporter domain (IPR011547) of the encoded protein sequence. Five of five in-silico tools predict a damaging effect of the variant on protein function. Consensus agreement among computation tools predict no significant impact on normal splicing. However, these predictions have yet to be confirmed by functional studies. The variant allele was found at a frequency of 4e-06 in 251190 control chromosomes. The available data on variant occurrences in the general population are insufficient to allow any conclusion about variant significance. To our knowledge, no occurrence of c.1003T>A in individuals affected with Pendred Syndrome and no experimental evidence demonstrating its impact on protein function have been reported. No submitters have cited clinical-significance assessments for this variant to ClinVar. Based on the evidence outlined above, the variant was classified as uncertain significance.